The following is an entry in ClinVar:

ClinVar aggregate classification (germline): Uncertain significance. Review status: criteria provided, multiple submitters, no conflicts (2 of 4 stars). 2 submissions from 2 submitters: Uncertain significance (2). Last evaluated 2025-09-16.

Conditions:
Hereditary cancer-predisposing syndrome. Also called: Tumor predisposition; Neoplastic Syndromes, Hereditary; Hereditary Cancer Syndrome; Hereditary neoplastic syndrome. Identifiers: Orphanet 140162, MedGen C0027672, MeSH D009386, MONDO:0015356.

Allele frequency attached by ClinVar (database versions not stated): gnomAD exomes below 0.00001; TOPMed below 0.00001.
gnomAD v4.1: 1 of 1,612,104 alleles (0.000062%); highest among the groups gnomAD compares: African/African-American, 0.0013%; no homozygotes.

Submissions (2):

Labcorp Genetics (formerly Invitae), Labcorp
Classification: Uncertain significance. Last evaluated: 2025-09-16. Review status: criteria provided, single submitter. Criteria: Invitae Variant Classification Sherloc (09022015). Collection method: clinical testing. Allele origin: germline.
Comment: This sequence change replaces glutamine, which is neutral and polar, with arginine, which is basic and polar, at codon 2184 of the POLE protein (p.Gln2184Arg). This variant is not present in population databases (gnomAD no frequency). This variant has not been reported in the literature in individuals affected with POLE-related conditions. ClinVar contains an entry for this variant (Variation ID: 240602). Invitae Evidence Modeling of protein sequence and biophysical properties (such as structural, functional, and spatial information, amino acid conservation, physicochemical variation, residue mobility, and thermodynamic stability) indicates that this missense variant is not expected to disrupt POLE protein function with a negative predictive value of 80%. In summary, the available evidence is currently insufficient to determine the role of this variant in disease. Therefore, it has been classified as a Variant of Uncertain Significance.

Ambry Genetics
Classification: Uncertain significance for Hereditary cancer-predisposing syndrome. Last evaluated: 2025-06-02. Review status: criteria provided, single submitter. Criteria: Ambry Variant Classification Scheme 2023. Collection method: clinical testing. Allele origin: germline.
Comment: The p.Q2184R variant (also known as c.6551A>G), located in coding exon 47 of the POLE gene, results from an A to G substitution at nucleotide position 6551. The glutamine at codon 2184 is replaced by arginine, an amino acid with highly similar properties. This amino acid position is conserved. In addition, this alteration is predicted to be tolerated by in silico analysis. Since supporting evidence is limited at this time, the clinical significance of this alteration remains unclear.

NM_006231.4(POLE):c.6551A>G (p.Gln2184Arg)

Gene: POLE (DNA polymerase epsilon, catalytic subunit; minus strand). Cytogenetic location: 12q24.33.
Variant type: single nucleotide variant.
Coding change: c.6551A>G on transcript NM_006231.4 (MANE Select); coding-DNA position 6551, A replaced by G.
Protein change: p.Gln2184Arg; replaces glutamine 2184 with arginine.
Molecular consequence: missense variant.
Genome position (GRCh38, 1-based): chr12:132,625,751, T>C on the plus strand (A>G on the coding strand, the complement: POLE is on the minus strand). VCF-style: chr12-132625751-T-C. GRCh37 (hg19) VCF-style: chr12-133202337-T-C.
Other names: short protein forms Q2184R.
Identifiers: ClinVar variation 240602 (VCV000240602.13), dbSNP rs878854894, ClinGen allele CA10582967.